The following is an entry in ClinVar:

ClinVar aggregate classification (germline): Uncertain significance (1 of 4 stars; one submission).

Conditions:
Idiopathic generalized epilepsy. Also called: EIG; Generalised epilepsy. Identifiers: MedGen C0270850, MONDO:0005579, OMIM 600669.

Submission:

Labcorp Genetics (formerly Invitae), Labcorp
Classification: Uncertain significance for Idiopathic generalized epilepsy. Last evaluated: 2025-07-30. Review status: criteria provided, single submitter. Criteria: Invitae Variant Classification Sherloc (09022015). Collection method: clinical testing. Allele origin: germline.
Comment: This sequence change creates a premature translational stop signal (p.Tyr273*) in the RBFOX3 gene. It is expected to result in an absent or disrupted protein product. However, the current clinical and genetic evidence is not sufficient to establish whether loss-of-function variants in RBFOX3 cause disease. This variant is not present in population databases (gnomAD no frequency). This variant has not been reported in the literature in individuals affected with RBFOX3-related conditions. In summary, the available evidence is currently insufficient to determine the role of this variant in disease. Therefore, it has been classified as a Variant of Uncertain Significance.

NM_001350451.2(RBFOX3):c.960C>G (p.Tyr320Ter)

Gene: RBFOX3 (RNA binding fox-1 homolog 3; minus strand). Cytogenetic location: 17q25.3.
Variant type: single nucleotide variant.
Coding change: c.960C>G on transcript NM_001350451.2 (MANE Select); coding-DNA position 960, C replaced by G.
Protein change: p.Tyr320Ter; replaces tyrosine 320 with a stop codon.
Molecular consequence: nonsense.
Genome position (GRCh38, 1-based): chr17:79,095,551, G>C on the plus strand (C>G on the coding strand, the complement: RBFOX3 is on the minus strand). VCF-style: chr17-79095551-G-C. GRCh37 (hg19) VCF-style: chr17-77091633-G-C.
Other names: c.819C>G, p.Tyr273Ter (NM_001082575.3, NM_001350453.2, NM_001385825.1 and 16 more transcripts); c.960C>G, p.Tyr320Ter (NM_001385804.1, NM_001385805.1, NM_001385807.1 and 14 more transcripts); c.957C>G, p.Tyr319Ter (NM_001385806.1, NM_001385822.1, NM_001385823.1); c.867C>G, p.Tyr289Ter (NM_001385824.1); c.840C>G, p.Tyr280Ter (NM_001385827.1); c.816C>G, p.Tyr272Ter (NM_001385843.1, NM_001385844.1, NM_001385845.1 and 1 more transcripts); c.672C>G, p.Tyr224Ter (NM_001385847.1); short protein forms Y224*, Y280*, Y289*, Y273*, Y272*, Y319*, Y320*.
Identifiers: ClinVar variation 4724366 (VCV004724366.1).
Genomic context (GRCh38, chr17:79,095,551, plus strand): 5'-CAGTGCTGGCCCCCGGCCTCACCTGTCGCTGTAGGCTGCCGCCGCTGCAGCGGGCTGAGC[G>C]TATCTGTAGGCTGCGTAGCCTCCCTGCAGGGTAAGTGGGAGGAGAGAGAGCAGAGGGACT-3'